The following is an entry in ClinVar:

ClinVar aggregate classification (germline): Uncertain significance (1 of 4 stars; one submission).

Submission:

ARUP Laboratories, Molecular Genetics and Genomics, ARUP Laboratories
Classification: Uncertain significance. Last evaluated: 2017-08-30. Review status: criteria provided, single submitter. Criteria: ARUP Molecular Germline Variant Investigation Process. Collection method: clinical testing. Allele origin: germline.
Comment: The PKD1 c.6784G>C, p.Gly2262Arg variant has not been reported in the medical literature, listed in gene-specific variant databases, nor observed in the general population databases (1000 Genomes Project, Exome Variant Server, Genome Aggregation Database). The glycine at residue 2262 is highly conserved, and computational algorithms (Mutation Taster, PolyPhen-2, SIFT) predict that the variant has an impact on the protein. Due to the limited information regarding the p.GLy2262Arg variant, its clinical significance could not be determined with certainty.

NM_001009944.3(PKD1):c.6784G>C (p.Gly2262Arg)

Gene: PKD1 (polycystin 1, transient receptor potential channel interacting; minus strand). Cytogenetic location: 16p13.3.
Variant type: single nucleotide variant.
Coding change: c.6784G>C on transcript NM_001009944.3 (MANE Select); coding-DNA position 6784, G replaced by C.
Protein change: p.Gly2262Arg; replaces glycine 2262 with arginine.
Molecular consequence: missense variant.
Genome position (GRCh38, 1-based): chr16:2,108,383, C>G on the plus strand (G>C on the coding strand, the complement: PKD1 is on the minus strand). VCF-style: chr16-2108383-C-G. GRCh37 (hg19) VCF-style: chr16-2158384-C-G.
Other names: c.6784G>C, p.Gly2262Arg (NM_000296.4); short protein forms G2262R.
Identifiers: ClinVar variation 618816 (VCV000618816.8), dbSNP rs1567191274, ClinGen allele CA394372896.